The following is an entry in ClinVar:

NM_005802.5(TOPORS):c.128G>C (p.Arg43Pro)

Gene: TOPORS (TOP1 binding arginine/serine rich protein, E3 ubiquitin ligase; minus strand). Cytogenetic location: 9p21.1.
Variant type: single nucleotide variant.
Coding change: c.128G>C on transcript NM_005802.5 (MANE Select); coding-DNA position 128, G replaced by C.
Protein change: p.Arg43Pro; replaces arginine 43 with proline.
Molecular consequence: missense variant. On other transcripts: intron variant (1).
Genome position (GRCh38, 1-based): chr9:32,550,844, C>G on the plus strand (G>C on the coding strand, the complement: TOPORS is on the minus strand). VCF-style: chr9-32550844-C-G. GRCh37 (hg19) VCF-style: chr9-32550842-C-G.
Other names: c.3+1590G>C (NM_001195622.2); c.128G>C (NM_005802.4); short protein forms R43P.
Identifiers: ClinVar variation 1920208 (VCV001920208.6), dbSNP rs777806157, ClinGen allele CA192365655.

ClinVar aggregate classification (germline): Uncertain significance. Review status: criteria provided, multiple submitters, no conflicts (2 of 4 stars). 2 submissions from 2 submitters: Uncertain significance (2). Last evaluated 2024-01-02.

Conditions:
Inborn genetic diseases. Identifiers: MedGen C0950123, MeSH D030342.

gnomAD v4.1: 2 of 1,613,018 alleles (0.00012%); highest among the groups gnomAD compares: Non-Finnish European, 0.000085%; no homozygotes.

Submissions (2):

Ambry Genetics
Classification: Uncertain significance for Inborn genetic diseases. Last evaluated: 2024-01-02. Review status: criteria provided, single submitter. Criteria: Ambry Variant Classification Scheme 2023. Collection method: clinical testing. Allele origin: germline.

Labcorp Genetics (formerly Invitae), Labcorp
Classification: Uncertain significance. Last evaluated: 2022-06-30. Review status: criteria provided, single submitter. Criteria: Invitae Variant Classification Sherloc (09022015). Collection method: clinical testing. Allele origin: germline.
Comment: This variant is not present in population databases (gnomAD no frequency). In summary, the available evidence is currently insufficient to determine the role of this variant in disease. Therefore, it has been classified as a Variant of Uncertain Significance. Algorithms developed to predict the effect of missense changes on protein structure and function are either unavailable or do not agree on the potential impact of this missense change (SIFT: "Tolerated"; PolyPhen-2: "Probably Damaging"; Align-GVGD: "Class C0"). This variant has not been reported in the literature in individuals affected with TOPORS-related conditions. This sequence change replaces arginine, which is basic and polar, with proline, which is neutral and non-polar, at codon 43 of the TOPORS protein (p.Arg43Pro).